The following is an entry in ClinVar:

NM_006019.4(TCIRG1):c.1088G>T (p.Arg363Leu)

Gene: TCIRG1 (T cell immune regulator 1, ATPase H+ transporting V0 subunit a3; plus strand). Cytogenetic location: 11q13.2.
Variant type: single nucleotide variant.
Coding change: c.1088G>T on transcript NM_006019.4 (MANE Select); coding-DNA position 1088, G replaced by T.
Protein change: p.Arg363Leu; replaces arginine 363 with leucine.
Molecular consequence: missense variant.
Genome position (GRCh38, 1-based): chr11:68,045,025, G>T. VCF-style: chr11-68045025-G-T. GRCh37 (hg19) VCF-style: chr11-67812492-G-T.
Other names: c.1088G>T (NM_006019.3); c.194G>T, p.Arg65Leu (NM_001351059.2); c.440G>T, p.Arg147Leu (NM_006053.4); short protein forms R65L, R147L, R363L.
Identifiers: ClinVar variation 1476316 (VCV001476316.7), dbSNP rs755474518, ClinGen allele CA381581266.

ClinVar aggregate classification (germline): Uncertain significance. Review status: criteria provided, multiple submitters, no conflicts (2 of 4 stars). 3 submissions from 3 submitters: Uncertain significance (3). Last evaluated 2025-08-18.

Conditions:
TCIRG1-related disorder. Also called: TCIRG1-related condition.
Inborn genetic diseases. Identifiers: MedGen C0950123, MeSH D030342.

Submissions (3):

PreventionGenetics, part of Exact Sciences
Classification: Uncertain significance for TCIRG1-related condition. Last evaluated: 2025-08-18. Review status: criteria provided, single submitter. Criteria: ACMG Guidelines, 2015. Collection method: clinical testing. Allele origin: germline.
Comment: The TCIRG1 c.1088G>T variant is predicted to result in the amino acid substitution p.Arg363Leu. To our knowledge, this variant has not been reported in the literature or in a large population database (gnomAD), indicating this variant is rare. At this time, the clinical significance of this variant is uncertain due to the absence of conclusive functional and genetic evidence.

Ambry Genetics
Classification: Uncertain significance for Inborn genetic diseases. Last evaluated: 2024-10-20. Review status: criteria provided, single submitter. Criteria: Ambry Variant Classification Scheme 2023. Collection method: clinical testing. Allele origin: germline.

Labcorp Genetics (formerly Invitae), Labcorp
Classification: Uncertain significance. Last evaluated: 2024-09-23. Review status: criteria provided, single submitter. Criteria: Invitae Variant Classification Sherloc (09022015). Collection method: clinical testing. Allele origin: germline.
Comment: This sequence change replaces arginine, which is basic and polar, with leucine, which is neutral and non-polar, at codon 363 of the TCIRG1 protein (p.Arg363Leu). This variant is not present in population databases (gnomAD no frequency). This variant has not been reported in the literature in individuals affected with TCIRG1-related conditions. ClinVar contains an entry for this variant (Variation ID: 1476316). Invitae Evidence Modeling of protein sequence and biophysical properties (such as structural, functional, and spatial information, amino acid conservation, physicochemical variation, residue mobility, and thermodynamic stability) indicates that this missense variant is not expected to disrupt TCIRG1 protein function with a negative predictive value of 80%. In summary, the available evidence is currently insufficient to determine the role of this variant in disease. Therefore, it has been classified as a Variant of Uncertain Significance.